The following is an entry in ClinVar:

NM_001368397.1(FRMPD4):c.583A>G (p.Lys195Glu)

Gene: FRMPD4 (FERM and PDZ domain containing 4; plus strand). Cytogenetic location: Xp22.2.
Variant type: single nucleotide variant.
Coding change: c.583A>G on transcript NM_001368397.1 (MANE Select); coding-DNA position 583, A replaced by G.
Protein change: p.Lys195Glu; replaces lysine 195 with glutamic acid.
Molecular consequence: missense variant.
Genome position (GRCh38, 1-based): chrX:12,686,106, A>G. VCF-style: chrX-12686106-A-G. GRCh37 (hg19) VCF-style: chrX-12704225-A-G.
Other names: c.694A>G, p.Lys232Glu (NM_001368395.3, NM_001368398.3); c.589A>G, p.Lys197Glu (NM_001368396.3); c.574A>G, p.Lys192Glu (NM_001368399.3); c.463A>G, p.Lys155Glu (NM_001368400.3); c.559A>G, p.Lys187Glu (NM_001368401.1, NM_001368402.3); c.583A>G, p.Lys195Glu (NM_014728.3); short protein forms K197E, K232E, K155E, K192E, K187E, K195E.
Identifiers: ClinVar variation 2401514 (VCV002401514.10), dbSNP rs146493613, ClinGen allele CA10349149.

ClinVar aggregate classification (germline): Conflicting classifications of pathogenicity. Review status: criteria provided, conflicting classifications (1 of 4 stars). 2 submissions from 2 submitters: Uncertain significance (1); Likely benign (1). Last evaluated 2025-08-01.

Conditions:
Inborn genetic diseases. Identifiers: MedGen C0950123, MeSH D030342.

Allele frequency attached by ClinVar (database versions not stated): gnomAD 0.00005; TOPMed 0.00005; ExAC 0.00006; gnomAD exomes 0.00014; 1000 Genomes Project 0.00026; 1000 Genomes Project 30x 0.00042.
gnomAD v4.1: 142 of 1,130,231 alleles (0.013%); highest among the groups gnomAD compares: Non-Finnish European, 0.017%; no homozygotes.

Submissions (2):

CeGaT Center for Human Genetics Tuebingen
Classification: Likely benign. Last evaluated: 2025-08-01. Review status: criteria provided, single submitter. Criteria: CeGaT Center For Human Genetics Tuebingen Variant Classification Criteria Version 2. Collection method: clinical testing. Allele origin: germline. Affected: yes. Observed: 1 variant allele.
Comment: FRMPD4: BS2

Ambry Genetics
Classification: Uncertain significance for Inborn genetic diseases. Last evaluated: 2021-02-25. Review status: criteria provided, single submitter. Criteria: Ambry Variant Classification Scheme 2023. Collection method: clinical testing. Allele origin: germline.